The following is an entry in ClinVar:

ClinVar aggregate classification (germline): Likely benign. Review status: criteria provided, multiple submitters, no conflicts (2 of 4 stars). 4 submissions from 4 submitters: Likely benign (4). Last evaluated 2025-04-05.

Conditions:
Familial thoracic aortic aneurysm and aortic dissection (TAAD). Also called: Thoracic aortic aneurysms and dissections. Identifiers: Orphanet 91387, MedGen C4707243, MONDO:0019625.
Aortic aneurysm, familial thoracic 4 (AAT4). Also called: AORTIC ANEURYSM/AORTIC DISSECTION AND PATENT DUCTUS ARTERIOSUS. Identifiers: MedGen C1851504, MONDO:0007568, OMIM 132900.

gnomAD v4.1: 8 of 1,614,214 alleles (0.0005%); highest among the groups gnomAD compares: East Asian, 0.011%; no homozygotes.

Submissions (4):

Ambry Genetics
Classification: Likely benign for Familial thoracic aortic aneurysm and aortic dissection. Last evaluated: 2025-04-05. Review status: criteria provided, single submitter. Criteria: Ambry Variant Classification Scheme 2023. Collection method: clinical testing. Allele origin: germline.

Labcorp Genetics (formerly Invitae), Labcorp
Classification: Likely benign for Aortic aneurysm, familial thoracic 4. Last evaluated: 2025-03-26. Review status: criteria provided, single submitter. Criteria: Invitae Variant Classification Sherloc (09022015). Collection method: clinical testing. Allele origin: germline.

All of Us Research Program, National Institutes of Health
Classification: Likely benign for Familial thoracic aortic aneurysm and aortic dissection. Last evaluated: 2023-11-30. Review status: criteria provided, single submitter. Criteria: ACMG Guidelines, 2015. Collection method: clinical testing. Allele origin: germline. Inheritance: Autosomal dominant inheritance. Observed: 4 variant alleles, 4 heterozygotes.
Comment: This study involves interpretation of variants in research participants for the purpose of population health screening. Participant phenotype was not available at the time of variant classification. Additional details can be found in publication PMID: 35346344, PMCID: PMC8962531

Color Diagnostics, LLC DBA Color Health
Classification: Likely benign for Familial thoracic aortic aneurysm and aortic dissection. Last evaluated: 2022-04-20. Review status: criteria provided, single submitter. Criteria: ACMG Guidelines, 2015. Collection method: clinical testing. Allele origin: germline.

NM_002474.3(MYH11):c.5499G>A (p.Glu1833=)

Genes: MYH11 (myosin heavy chain 11; minus strand), NDE1 (nudE neurodevelopment protein 1; plus strand). Cytogenetic location: 16p13.11.
Variant type: single nucleotide variant.
Coding change: c.5499G>A on transcript NM_002474.3 (MANE Select); coding-DNA position 5499, G replaced by A.
Protein change: p.Glu1833=; no amino-acid change (glutamic acid 1833 retained).
Molecular consequence: synonymous variant. On other transcripts: intron variant (2).
Genome position (GRCh38, 1-based): chr16:15,717,145, C>T on the plus strand (G>A on the coding strand, the complement: MYH11 is on the minus strand). VCF-style: chr16-15717145-C-T. GRCh37 (hg19) VCF-style: chr16-15811002-C-T.
Other names: c.5520G>A, p.Glu1840= (NM_001040113.2, NM_001040114.2); c.5499G>A, p.Glu1833= (NM_022844.3); c.948-7046C>T (NM_001143979.2, NM_017668.3); c.5499G>A (NM_002474.2).
Identifiers: ClinVar variation 2773787 (VCV002773787.7), dbSNP rs145252402, ClinGen allele CA7921254.